The following is an entry in ClinVar:

NM_001042492.3(NF1):c.4111-4G>T

Gene: NF1 (neurofibromin 1; plus strand). Cytogenetic location: 17q11.2.
Variant type: single nucleotide variant.
Coding change: c.4111-4G>T on transcript NM_001042492.3 (MANE Select); 4 bases into the intron before coding-DNA position 4111, G replaced by T.
Molecular consequence: intron variant.
Genome position (GRCh38, 1-based): chr17:31,252,934, G>T. VCF-style: chr17-31252934-G-T. GRCh37 (hg19) VCF-style: chr17-29579952-G-T.
Other names: c.4110+3815G>T (NM_000267.4).
Identifiers: ClinVar variation 5042266 (VCV005042266.1).

ClinVar aggregate classification (germline): Likely benign (1 of 4 stars; one submission).

Conditions:
Neurofibromatosis, type 1 (NF1). Also called: VON RECKLINGHAUSEN DISEASE; NEUROFIBROMATOSIS, TYPE I, SOMATIC; Peripheral type neurofibromatosis; Neurofibromatosis, type I. Identifiers: Orphanet 636, MedGen C0027831, MONDO:0018975, OMIM 162200. Disease mechanism: loss of function.

gnomAD v4.1: 2 of 1,613,170 alleles (0.00012%); highest among the groups gnomAD compares: Non-Finnish European, 0.00017%; no homozygotes.

Submission:

Myriad Genetics, Inc.
Classification: Likely benign for Neurofibromatosis, type 1. Last evaluated: 2026-09-22. Review status: criteria provided, single submitter. Criteria: Myriad Autosomal Dominant, Autosomal Recessive and X-Linked Classification Criteria (2023). Collection method: clinical testing. Allele origin: unknown.
Comment: This variant is considered likely benign. This variant is intronic and is not expected to impact mRNA splicing.